The following is an entry in ClinVar:

NM_000179.3(MSH6):c.1768C>T (p.Pro590Ser)

Gene: MSH6 (mutS homolog 6; plus strand). Cytogenetic location: 2p16.3.
Variant type: single nucleotide variant.
Coding change: c.1768C>T on transcript NM_000179.3 (MANE Select); coding-DNA position 1768, C replaced by T.
Protein change: p.Pro590Ser; replaces proline 590 with serine.
Molecular consequence: missense variant.
Genome position (GRCh38, 1-based): chr2:47,799,751, C>T. VCF-style: chr2-47799751-C-T. GRCh37 (hg19) VCF-style: chr2-48026890-C-T.
Other names: c.1378C>T, p.Pro460Ser (NM_001281492.2); c.862C>T, p.Pro288Ser (NM_001281493.2, NM_001281494.2); c.1768C>T (NM_000179.2); short protein forms P288S, P460S, P590S.
Identifiers: ClinVar variation 1051682 (VCV001051682.13), dbSNP rs1553413153, ClinGen allele CA346749123.

ClinVar aggregate classification (germline): Uncertain significance. Review status: criteria provided, multiple submitters, no conflicts (2 of 4 stars). 2 submissions from 2 submitters: Uncertain significance (2). Last evaluated 2025-11-24.

Conditions:
Hereditary nonpolyposis colorectal neoplasms. Identifiers: MedGen C0009405, MeSH D003123.
Hereditary cancer-predisposing syndrome. Also called: Tumor predisposition; Hereditary neoplastic syndrome; Hereditary Cancer Syndrome; Neoplastic Syndromes, Hereditary. Identifiers: Orphanet 140162, MedGen C0027672, MeSH D009386, MONDO:0015356.

Allele frequency attached by ClinVar (database versions not stated): gnomAD exomes below 0.00001.

Submissions (2):

Labcorp Genetics (formerly Invitae), Labcorp
Classification: Uncertain significance for Hereditary nonpolyposis colorectal neoplasms. Last evaluated: 2025-11-24. Review status: criteria provided, single submitter. Criteria: Invitae Variant Classification Sherloc (09022015). Collection method: clinical testing. Allele origin: germline.
Comment: This sequence change replaces proline, which is neutral and non-polar, with serine, which is neutral and polar, at codon 590 of the MSH6 protein (p.Pro590Ser). This variant is not present in population databases (gnomAD no frequency). This variant has not been reported in the literature in individuals affected with MSH6-related conditions. ClinVar contains an entry for this variant (Variation ID: 1051682). Invitae Evidence Modeling of protein sequence and biophysical properties (such as structural, functional, and spatial information, amino acid conservation, physicochemical variation, residue mobility, and thermodynamic stability) indicates that this missense variant is not expected to disrupt MSH6 protein function with a negative predictive value of 95%. In summary, the available evidence is currently insufficient to determine the role of this variant in disease. Therefore, it has been classified as a Variant of Uncertain Significance.

Ambry Genetics
Classification: Uncertain significance for Hereditary cancer-predisposing syndrome. Last evaluated: 2025-08-15. Review status: criteria provided, single submitter. Criteria: Ambry Variant Classification Scheme 2023. Collection method: clinical testing. Allele origin: germline.
Comment: The p.P590S variant (also known as c.1768C>T), located in coding exon 4 of the MSH6 gene, results from a C to T substitution at nucleotide position 1768. The proline at codon 590 is replaced by serine, an amino acid with similar properties. This amino acid position is conserved. In addition, this alteration is predicted to be tolerated by in silico analysis. Since supporting evidence is limited at this time, the clinical significance of this alteration remains unclear.